The following is an entry in ClinVar:

ClinVar aggregate classification (germline): Likely benign. Review status: criteria provided, multiple submitters, no conflicts (2 of 4 stars). 2 submissions from 2 submitters: Likely benign (2). Last evaluated 2025-08-01.

Conditions:
Baller-Gerold syndrome (BGS). Also called: CRANIOSYNOSTOSIS WITH RADIAL DEFECTS. Identifiers: Orphanet 1225, MedGen C0265308, MONDO:0009039, OMIM 218600.

Submissions (2):

CeGaT Center for Human Genetics Tuebingen
Classification: Likely benign. Last evaluated: 2025-08-01. Review status: criteria provided, single submitter. Criteria: CeGaT Center For Human Genetics Tuebingen Variant Classification Criteria Version 2. Collection method: clinical testing. Allele origin: germline. Affected: yes. Observed: 1 variant allele.
Comment: RECQL4: PM2:Supporting, BP4, BP7

Labcorp Genetics (formerly Invitae), Labcorp
Classification: Likely benign for Baller-Gerold syndrome. Last evaluated: 2025-02-17. Review status: criteria provided, single submitter. Criteria: Invitae Variant Classification Sherloc (09022015). Collection method: clinical testing. Allele origin: germline.

NM_004260.4(RECQL4):c.1737G>A (p.Leu579=)

Gene: RECQL4 (RecQ like helicase 4; minus strand). Cytogenetic location: 8q24.3.
Variant type: single nucleotide variant.
Coding change: c.1737G>A on transcript NM_004260.4 (MANE Select); coding-DNA position 1737, G replaced by A.
Protein change: p.Leu579=; no amino-acid change (leucine 579 retained).
Molecular consequence: synonymous variant.
Genome position (GRCh38, 1-based): chr8:144,514,330, C>T on the plus strand (G>A on the coding strand, the complement: RECQL4 is on the minus strand). VCF-style: chr8-144514330-C-T. GRCh37 (hg19) VCF-style: chr8-145739714-C-T.
Identifiers: ClinVar variation 1147037 (VCV001147037.14), dbSNP rs2130696653, ClinGen allele CA463567411.
Genomic context (GRCh38, chr8:144,514,330, plus strand): 5'-AACTGGAGGCAGCTGTGCGGCTGGAGGGAGGCCTCCCGCCCCCACCAGTGCCTCAGGTGT[C>T]AGCATCAGCACGTGTACCTGGGCTGCCCGAATCTGAAGGCAGCAAGATCAGAGGCACAGC-3'
Protein context (NP_004251.4, residues 569-589): IRAAQVHVLM[Leu579=]TPEALVGAGG